The following is an entry in ClinVar:

ClinVar aggregate classification (germline): Pathogenic/Likely pathogenic. Review status: criteria provided, multiple submitters, no conflicts (2 of 4 stars). 2 submissions from 2 submitters: Pathogenic (1); Likely pathogenic (1). Last evaluated 2023-09-25.

Conditions:
Tay-Sachs disease (TSD). Also called: GM2 gangliosidosis, type 1; Hexosaminidase alpha-subunit deficiency (variant B); Sphingolipidosis, Tay-Sachs; Hexosaminidase A Deficiency; HEXA DEFICIENCY; HEXA Disorders. Identifiers: Orphanet 845, MedGen C0039373, MONDO:0010100, OMIM 272800.
HEXA-related disorders.

Allele frequency attached by ClinVar (database versions not stated): TOPMed below 0.00001.

Submissions (2):

Labcorp Genetics (formerly Invitae), Labcorp
Classification: Pathogenic for Tay-Sachs disease. Last evaluated: 2023-09-25. Review status: criteria provided, single submitter. Criteria: Invitae Variant Classification Sherloc (09022015). Collection method: clinical testing. Allele origin: germline.
Comment: For these reasons, this variant has been classified as Pathogenic. Algorithms developed to predict the effect of sequence changes on RNA splicing suggest that this variant may disrupt the consensus splice site. This variant has not been reported in the literature in individuals affected with HEXA-related conditions. This variant is not present in population databases (gnomAD no frequency). This sequence change creates a premature translational stop signal (p.Trp147*) in the HEXA gene. It is expected to result in an absent or disrupted protein product. Loss-of-function variants in HEXA are known to be pathogenic (PMID: 1833974, 8490625).

Blueprint Genetics
Classification: Likely pathogenic for HEXA-related disorders. Last evaluated: 2019-06-28. Review status: criteria provided, single submitter. Criteria: ACMG Guidelines, 2015. Collection method: clinical testing. Allele origin: germline. Affected: yes. Observed: 1 variant allele.

Literature cited by the submitters: PubMed 1833974 (cited by Labcorp Genetics (formerly Invitae), Labcorp); PubMed 8490625 (cited by Labcorp Genetics (formerly Invitae), Labcorp).

NM_000520.6(HEXA):c.441G>A (p.Trp147Ter)

Gene: HEXA (hexosaminidase subunit alpha; minus strand). Cytogenetic location: 15q23.
Variant type: single nucleotide variant.
Coding change: c.441G>A on transcript NM_000520.6 (MANE Select); coding-DNA position 441, G replaced by A.
Protein change: p.Trp147Ter; replaces tryptophan 147 with a stop codon.
Molecular consequence: nonsense. On other transcripts: non-coding transcript variant (1).
Genome position (GRCh38, 1-based): chr15:72,353,709, C>T on the plus strand (G>A on the coding strand, the complement: HEXA is on the minus strand). VCF-style: chr15-72353709-C-T. GRCh37 (hg19) VCF-style: chr15-72646050-C-T.
Other names: c.474G>A, p.Trp158Ter (NM_001318825.2); short protein forms W147*, W158*.
Identifiers: ClinVar variation 2763203 (VCV002763203.4), dbSNP rs2088733143, ClinGen allele CA393065542.
Genomic context (GRCh38, chr15:72,353,709, plus strand): 5'-CCAGAGATGAAAAAGGAGCCCTTTTTGAGGGTCCACACTTACTGTGCCCTCAGCAGATTT[C>T]CAAACAAGCTGGCTAAAAGTCTCCAGACCTAGGAAGATGTAGAGAGGCAGAGTAAAGACT-3'